The following is an entry in ClinVar:

ClinVar aggregate classification (germline): Uncertain significance. Review status: criteria provided, single submitter (1 of 4 stars). 2 submissions from 2 submitters: Uncertain significance (1). 1 of the submissions does not count toward it. Last evaluated 2025-02-07.

Conditions:
Autosomal recessive Alport syndrome (ATS2). Also called: COL4A4 Alport Syndrome and Thin Basement Membrane Nephropathy; COL4A3-Related Nephropathy; ALPORT SYNDROME 2, AUTOSOMAL RECESSIVE; Alport syndrome type 2. Identifiers: Orphanet 63, Orphanet 88919, MedGen C4746745, MONDO:0008762, OMIM 203780.

Submissions (2):

3billion
Classification: Uncertain significance for Autosomal recessive Alport syndrome. Last evaluated: 2025-02-07. Review status: criteria provided, single submitter. Criteria: ACMG Guidelines, 2015. Collection method: clinical testing. Allele origin: germline. Affected: yes.
Comment: The variant is observed at an extremely low frequency in the gnomAD v4.1.0 dataset (total allele frequency: <0.001%). Predicted Consequence/Location: Inframe deletion located in a nonrepeat region: predicted to change the length of the protein and disrupt normal protein function. Damaging effect on gene or gene product predicted by in silico programs is uncertain [3Cnet: 0.98 (damaging >=0.6, benign <0.15)]. The variant has been reported as of uncertain significance (ClinVar ID: VCV000552855). Therefore, this variant is classified as VUS according to the recommendation of ACMG/AMP guideline.

Counsyl
Classification: Uncertain significance for Autosomal recessive Alport syndrome. Last evaluated: 2017-07-12. Review status: no assertion criteria provided. Collection method: clinical testing. Allele origin: unknown. Not counted in ClinVar's aggregate classification.

NM_000092.5(COL4A4):c.3584ATG[1] (p.Asp1196del)

Gene: COL4A4 (collagen type IV alpha 4 chain; minus strand). Cytogenetic location: 2q36.3.
Variant type: Microsatellite.
Coding change: c.3584ATG[1] on transcript NM_000092.5 (MANE Select); one copy of the 3-base unit ATG starting at c.3584; the reference has two copies in a row; one copy, 3 bases deleted; also written c.3587_3589del.
Protein change: p.Asp1196del; deletes aspartic acid 1196.
Molecular consequence: inframe deletion.
Genome position (GRCh38, 1-based): chr2:227,032,265-227,032,267, CAT deleted on the plus strand (ATG on the coding strand, the reverse complement: COL4A4 is on the minus strand); deleting any 3 consecutive bases within chr2:227,032,265-227,032,270 gives the same sequence; the position shown is the placement nearest the transcript's 3' end. VCF-style (leftmost placement, unchanged base first): chr2-227032264-ACAT-A. GRCh37 (hg19) VCF-style: chr2-227896980-ACAT-A.
Other names: c.3587_3589delATG (NM_000092.4); c.3587_3589del (NM_000092.5); short protein forms D1196del.
Identifiers: ClinVar variation 552855 (VCV000552855.3), dbSNP rs780991255, ClinGen allele CA2144477.